The following is an entry in ClinVar:

NM_022455.5(NSD1):c.5668_5673del (p.Ser1890_Glu1891del)

Gene: NSD1 (nuclear receptor binding SET domain protein 1; plus strand). Cytogenetic location: 5q35.3.
Variant type: Deletion.
Coding change: c.5668_5673del on transcript NM_022455.5 (MANE Select); coding-DNA positions 5668 to 5673, 6 bases deleted (TCTGAA; older notation c.5668_5673delTCTGAA).
Protein change: p.Ser1890_Glu1891del.
Genome position (GRCh38, 1-based): chr5:177,280,610-177,280,615, TCTGAA deleted; deleting any 6 consecutive bases within chr5:177,280,609-177,280,615 gives the same sequence; the c. name uses the placement nearest the transcript's 3' end. VCF-style (leftmost placement, unchanged base first): chr5-177280608-TATCTGA-T. GRCh37 (hg19) VCF-style: chr5-176707609-TATCTGA-T.
Other names: c.4795_4800del, p.Ser1599_Glu1600del (NM_001365684.2, NM_001409308.1, NM_001409309.1 and 1 more transcripts); c.5668_5673del, p.Ser1890_Glu1891del (NM_001409301.1, NM_001409302.1, NM_001409303.1); c.5248_5253del, p.Ser1750_Glu1751del (NM_001409304.1); c.4915_4920del, p.Ser1639_Glu1640del (NM_001409305.1); c.4906_4911del, p.Ser1636_Glu1637del (NM_001409306.1, NM_001409307.1).
Identifiers: ClinVar variation 3632650 (VCV003632650.2).

ClinVar aggregate classification (germline): Uncertain significance (1 of 4 stars; one submission).

Submission:

Labcorp Genetics (formerly Invitae), Labcorp
Classification: Uncertain significance. Last evaluated: 2023-04-06. Review status: criteria provided, single submitter. Criteria: Invitae Variant Classification Sherloc (09022015). Collection method: clinical testing. Allele origin: germline.
Comment: In summary, the available evidence is currently insufficient to determine the role of this variant in disease. Therefore, it has been classified as a Variant of Uncertain Significance. This variant, c.5668_5673del, results in the deletion of 2 amino acid(s) of the NSD1 protein (p.Ser1890_Glu1891del), but otherwise preserves the integrity of the reading frame. This variant is not present in population databases (gnomAD no frequency). This variant has not been reported in the literature in individuals affected with NSD1-related conditions. Experimental studies and prediction algorithms are not available or were not evaluated, and the functional significance of this variant is currently unknown.